The following is an entry in ClinVar:

NM_003896.4(ST3GAL5):c.1009-1727A>G

Gene: ST3GAL5 (ST3 beta-galactoside alpha-2,3-sialyltransferase 5; minus strand). Cytogenetic location: 2p11.2.
Variant type: single nucleotide variant.
Coding change: c.1009-1727A>G on transcript NM_003896.4 (MANE Select); 1727 bases into the intron before coding-DNA position 1009, A replaced by G.
Molecular consequence: intron variant.
Genome position (GRCh38, 1-based): chr2:85,842,119, T>C on the plus strand (A>G on the coding strand, the complement: ST3GAL5 is on the minus strand). VCF-style: chr2-85842119-T-C. GRCh37 (hg19) VCF-style: chr2-86069242-T-C.
Other names: c.625-1727A>G (NM_001354226.2, NM_001354233.2, NM_001354224.2 and 3 more transcripts); c.925-1727A>G (NM_001354227.2, NM_001354229.2, NM_001354238.1); c.940-1727A>G (NM_001042437.2); c.850-1727A>G (NM_001363847.1); c.286-1727A>G (NM_001354247.1).
Identifiers: ClinVar variation 4891175 (VCV004891175.1).

ClinVar aggregate classification (germline): Uncertain significance (1 of 4 stars; one submission).

gnomAD v4.1: 10 of 152,208 alleles (0.0066%); highest among the groups gnomAD compares: African/African-American, 0.024%; no homozygotes.

Submission:

Greenwood Genetic Center Diagnostic Laboratories, Greenwood Genetic Center
Classification: Uncertain significance. Last evaluated: 2026-06-23. Review status: criteria provided, single submitter. Criteria: ACMG Guidelines, 2015. Collection method: clinical testing. Allele origin: germline.
Comment: PM2, BP4